The following is an entry in ClinVar:

ClinVar aggregate classification (germline): Conflicting classifications of pathogenicity. Review status: criteria provided, conflicting classifications (1 of 4 stars). 8 submissions from 8 submitters: Pathogenic (2); Likely pathogenic (5); Uncertain significance (1). Last evaluated 2026-03-05.

Conditions:
Pontoneocerebellar hypoplasia. Also called: Pontocerebellar hypoplasia; Non-syndromic pontocerebellar hypoplasia. Identifiers: Orphanet 98523, MedGen C1261175, MONDO:0020135.
Pontocerebellar hypoplasia type 2D (PCH2D). Also called: Progressive cerebello-cerebral atrophy. Identifiers: Orphanet 247198, Orphanet 2524, MedGen C3151140, MONDO:0013438, OMIM 613811.

Allele frequency attached by ClinVar (database versions not stated): gnomAD exomes 0.00003; gnomAD 0.00004 and 0.00005; ExAC 0.00005; TOPMed 0.00005; ESP Exome Variant Server 0.00008; 1000 Genomes Project 30x 0.00016; 1000 Genomes Project 0.00020.
gnomAD v4.1: 105 of 1,613,808 alleles (0.0065%); highest among the groups gnomAD compares: Non-Finnish European, 0.0084%; no homozygotes.

Submissions (8):

Broad Center for Mendelian Genomics, Broad Institute of MIT and Harvard
Classification: Pathogenic for Pontocerebellar hypoplasia type 2D. Last evaluated: 2026-03-05. Review status: criteria provided, single submitter. Criteria: ACMG Guidelines, 2015. Collection method: research. Allele origin: germline. Inheritance: Autosomal recessive inheritance. Study: GREGoR Consortium.
Comment: The p.Leu282= variant in SEPSECS has been reported in 2 individuals with pontocerebellar hypoplasia (PM3_strong) and segregated with disease in 1 affected individual from 1 family (Lee 2020 PMID: 31607746, Ramadesikan 2022 PMID: 35091508). It has also been identified in 0.02% (3/15946) of African/African American chromosomes by gnomAD. This variant has also been reported in ClinVar (Variation ID 522806). Computational prediction tools and conservation analyses suggest that this variant may impact the protein, though this information is not predictive enough to determine pathogenicity (PP3). In vitro functional studies provide some evidence that this variant impacts protein function (Lee 2020 PMID: 31607746); however, these types of assays may not accurately represent biological function (PS3). In summary, this variant meets criteria to be classified as pathogenic for autosomal recessive pontocerebellar hypoplasia. ACMG/AMP Criteria applied: PM3_strong, PS3, PP3.

Natera, Inc.
Classification: Likely pathogenic for Pontocerebellar hypoplasia type 2d. Last evaluated: 2025-12-24. Review status: criteria provided, single submitter. Criteria: Natera Variant Classification Schema (03/2026). Collection method: clinical testing. Allele origin: germline.
Comment: The c.846G>A variant in SEPSECS is a synonymous variant that does not alter the encoded amino acid at position 282 (p.L282=). This variant is rare in the general population with a frequency below the threshold expected for the associated phenotype(s). This variant has been observed in one or more individuals affected with the associated recessive disease, as either homozygous or compound heterozygous with a second variant (PMID: 31607746). Functional studies show that this variant may disrupt protein function (PMID: 31607746). Given the available evidence, this variant is classified as Likely Pathogenic.

Women's Health and Genetics/Laboratory Corporation of America, LabCorp
Classification: Likely pathogenic for Pontoneocerebellar hypoplasia. Last evaluated: 2025-06-03. Review status: criteria provided, single submitter. Criteria: LabCorp Variant Classification Summary - May 2015. Collection method: clinical testing. Allele origin: germline.
Comment: Variant summary: SEPSECS c.846G>A alters a conserved nucleotide resulting in a synonymous change. Consensus agreement among computation tools predict no significant impact on normal splicing. The variant allele was found at a frequency of 2.8e-05 in 250948 control chromosomes. c.846G>A has been observed in individuals affected with Pontocerebellar Hypoplasia, and has been shown to segregate with disease in at least one family (e.g., Lee_2020, Ramadesikan_2022). RNAseq analysis showed the 130-bp exon 7 containing this synonymous variant in an affected individual was skipped in about half of the mRNAs. The novel splice junction that joins exon 6 and exon 8 was detected in 25/695 additional unrelated samples without this variant, but at a much lower ratio compared with the proband and mother, suggesting that exon 7 may be susceptible to low-level skipping (Lee_2020). The following publications have been ascertained in the context of this evaluation (PMID: 31607746, 35091508). ClinVar contains an entry for this variant (Variation ID: 522806). Based on the evidence outlined above, the variant was classified as likely pathogenic.

Fulgent Genetics
Classification: Likely pathogenic for Pontocerebellar hypoplasia type 2D. Last evaluated: 2024-06-05. Review status: criteria provided, single submitter. Criteria: ACMG Guidelines, 2015. Collection method: clinical testing. Allele origin: germline.

Labcorp Genetics (formerly Invitae), Labcorp
Classification: Pathogenic. Last evaluated: 2024-05-06. Review status: criteria provided, single submitter. Criteria: Invitae Variant Classification Sherloc (09022015). Collection method: clinical testing. Allele origin: germline.
Comment: This sequence change affects codon 282 of the SEPSECS mRNA. It is a 'silent' change, meaning that it does not change the encoded amino acid sequence of the SEPSECS protein. This variant is present in population databases (rs146539065, gnomAD 0.02%). This variant has been observed in individual(s) with pontocerebellar hypoplasia (PMID: 31607746, 35091508). In at least one individual the data is consistent with being in trans (on the opposite chromosome) from a pathogenic variant. It has also been observed to segregate with disease in related individuals. ClinVar contains an entry for this variant (Variation ID: 522806). Algorithms developed to predict the effect of sequence changes on RNA splicing suggest that this variant may disrupt the consensus splice site. For these reasons, this variant has been classified as Pathogenic.

Revvity Omics, Revvity
Classification: Uncertain significance for Pontocerebellar hypoplasia type 2D. Last evaluated: 2021-10-12. Review status: criteria provided, single submitter. Criteria: ACMG Guidelines, 2015. Collection method: clinical testing. Allele origin: germline.

Institute for Genomic Medicine, Nationwide Children's Hospital
Classification: Likely pathogenic for Pontocerebellar hypoplasia type 2D. Last evaluated: 2021-10-01. Review status: criteria provided, single submitter. Criteria: ACMG Guidelines, 2015. Collection method: research. Allele origin: paternal. Inheritance: Autosomal recessive inheritance. Affected: yes. Observed: 1 compound heterozygote.
Comment: This variant was identified in two siblings with PCH type 2D and was compound-heterozygous with an initiator codon variant (c.1A>T) considered to be pathogenic. Although the c.846G>A is a synonymous change, it has been shown to disrupt splicing in experimental work by the UDN (PMID: 31607746). It is extremely rare (AF~0.00004) with no homozygotes reported in public databases including gnomAD and TopMed. We interpret the variant as likely pathogenic.

Undiagnosed Diseases Network, NIH
Classification: Likely pathogenic for Pontocerebellar hypoplasia type 2D. Last evaluated: 2017-04-06. Review status: criteria provided, single submitter. Criteria: ACMG Guidelines, 2015. Collection method: clinical testing. Allele origin: maternal. Inheritance: Autosomal recessive inheritance. Affected: yes. Observed: 1 variant allele, 1 compound heterozygote.
Comment: The c.846G>A variant in SEPSECS was shown to result in exon skipping by RNAseq. The variant is present in 6 individuals in gnomAD as heterozygotes. The variant was identifed as a compound heterozygote with c.808dupG that is a frameshift variant.

Literature cited by the submitters: PubMed 31607746 (cited by 3 submitters); PubMed 35091508 (cited by Women's Health and Genetics/Laboratory Corporation of America, LabCorp and Labcorp Genetics (formerly Invitae), Labcorp).

NM_016955.4(SEPSECS):c.846G>A (p.Leu282=)

Gene: SEPSECS (Sep (O-phosphoserine) tRNA:Sec (selenocysteine) tRNA synthase; minus strand). Cytogenetic location: 4p15.2.
Variant type: single nucleotide variant.
Coding change: c.846G>A on transcript NM_016955.4 (MANE Select); coding-DNA position 846, G replaced by A.
Protein change: p.Leu282=; no amino-acid change (leucine 282 retained).
Molecular consequence: synonymous variant.
Genome position (GRCh38, 1-based): chr4:25,145,092, C>T on the plus strand (G>A on the coding strand, the complement: SEPSECS is on the minus strand). VCF-style: chr4-25145092-C-T. GRCh37 (hg19) VCF-style: chr4-25146714-C-T.
Other names: NM_016955.4(SEPSECS):c.846G>A.
Identifiers: ClinVar variation 522806 (VCV000522806.22), dbSNP rs146539065, ClinGen allele CA2877328.